The following is an entry in ClinVar:

NM_001358921.2(COQ2):c.325T>C (p.Trp109Arg)

Gene: COQ2 (coenzyme Q2, polyprenyltransferase; minus strand). Cytogenetic location: 4q21.23.
Variant type: single nucleotide variant.
Coding change: c.325T>C on transcript NM_001358921.2 (MANE Select); coding-DNA position 325, T replaced by C.
Protein change: p.Trp109Arg; replaces tryptophan 109 with arginine.
Molecular consequence: missense variant.
Genome position (GRCh38, 1-based): chr4:83,279,043, A>G on the plus strand (T>C on the coding strand, the complement: COQ2 is on the minus strand). VCF-style: chr4-83279043-A-G. GRCh37 (hg19) VCF-style: chr4-84200196-A-G.
Other names: c.475T>C, p.Trp159Arg (NM_015697.9); short protein forms W159R, W109R.
Identifiers: ClinVar variation 2008119 (VCV002008119.4), dbSNP rs2529770350, ClinGen allele CA357230612.

ClinVar aggregate classification (germline): Uncertain significance (1 of 4 stars; one submission).

Submission:

Labcorp Genetics (formerly Invitae), Labcorp
Classification: Uncertain significance. Last evaluated: 2022-06-18. Review status: criteria provided, single submitter. Criteria: Invitae Variant Classification Sherloc (09022015). Collection method: clinical testing. Allele origin: germline.
Comment: This variant is not present in population databases (gnomAD no frequency). This sequence change replaces tryptophan, which is neutral and slightly polar, with arginine, which is basic and polar, at codon 159 of the COQ2 protein (p.Trp159Arg). This variant has not been reported in the literature in individuals affected with COQ2-related conditions. In summary, the available evidence is currently insufficient to determine the role of this variant in disease. Therefore, it has been classified as a Variant of Uncertain Significance. Algorithms developed to predict the effect of missense changes on protein structure and function are either unavailable or do not agree on the potential impact of this missense change (SIFT: "Deleterious"; PolyPhen-2: "Possibly Damaging"; Align-GVGD: "Class C0").